The following is an entry in ClinVar:

NM_000138.5(FBN1):c.7907del (p.Gly2636fs)

Gene: FBN1 (fibrillin 1; minus strand). Cytogenetic location: 15q21.1.
Variant type: Deletion.
Coding change: c.7907del on transcript NM_000138.5 (MANE Select); coding-DNA position 7907, one base deleted (G; older notation c.7907delG).
Protein change: p.Gly2636fs; shifts the reading frame from glycine 2636.
Molecular consequence: frameshift variant.
Genome position (GRCh38, 1-based): chr15:48,415,680, C deleted on the plus strand (G on the coding strand, the reverse complement: FBN1 is on the minus strand); the first of 2 consecutive C bases (chr15:48,415,680-48,415,681); deleting either gives the same sequence. VCF-style (leftmost placement, unchanged base first): chr15-48415679-GC-G. GRCh37 (hg19) VCF-style: chr15-48707876-GC-G.
Other names: short protein forms G2636fs.
Identifiers: ClinVar variation 1454655 (VCV001454655.6), dbSNP rs2141214897, ClinGen allele CA2573150956.
Genomic context (GRCh38, chr15:48,415,679, plus strand): 5'-CTGCGCAGAGCCACATTCATTGATGTCTTGGCATCCTCCACTGAACTGTTCATACTGGAA[GC>G]CGGCGGGACACATGCACTTGTAGCTCCCCAGGGTGTTGTGACAGGAGGCTCCTCCGCAGA-3'

ClinVar aggregate classification (germline): Pathogenic (1 of 4 stars; one submission).

Conditions:
Marfan syndrome (MFS). Also called: MARFAN SYNDROME, TYPE I; Marfan syndrome type 1; Marfan's syndrome; Marfan syndrome, classic; FBN1-Related Marfan Syndrome. Identifiers: Orphanet 284963, Orphanet 558, MedGen C0024796, MONDO:0007947, OMIM 154700.
Familial thoracic aortic aneurysm and aortic dissection (TAAD). Also called: Thoracic aortic aneurysms and dissections. Identifiers: Orphanet 91387, MedGen C4707243, MONDO:0019625.

Submission:

Labcorp Genetics (formerly Invitae), Labcorp
Classification: Pathogenic for Marfan syndrome; Familial thoracic aortic aneurysm and aortic dissection. Last evaluated: 2023-05-15. Review status: criteria provided, single submitter. Criteria: Invitae Variant Classification Sherloc (09022015). Collection method: clinical testing. Allele origin: germline.
Comment: For these reasons, this variant has been classified as Pathogenic. ClinVar contains an entry for this variant (Variation ID: 1454655). This variant has not been reported in the literature in individuals affected with FBN1-related conditions. This variant is not present in population databases (gnomAD no frequency). This sequence change creates a premature translational stop signal (p.Gly2636Alafs*46) in the FBN1 gene. It is expected to result in an absent or disrupted protein product. Loss-of-function variants in FBN1 are known to be pathogenic (PMID: 17657824, 19293843).

Literature cited by the submitters: PubMed 17657824; PubMed 19293843.